The following is an entry in ClinVar:

NM_000202.8(IDS):c.913T>C (p.Ser305Pro)

Genes: IDS (iduronate 2-sulfatase; minus strand), LOC106050102 (IDS recombination region; plus strand). Cytogenetic location: Xq28.
Variant type: single nucleotide variant.
Coding change: c.913T>C on transcript NM_000202.8 (MANE Select); coding-DNA position 913, T replaced by C.
Protein change: p.Ser305Pro; replaces serine 305 with proline.
Molecular consequence: missense variant. On other transcripts: non-coding transcript variant (1).
Genome position (GRCh38, 1-based): chrX:149,490,407, A>G on the plus strand (T>C on the coding strand, the complement: IDS is on the minus strand). VCF-style: chrX-149490407-A-G. GRCh37 (hg19) VCF-style: chrX-148571938-A-G.
Other names: c.643T>C, p.Ser215Pro (NM_001166550.4); c.913T>C, p.Ser305Pro (NM_006123.5); short protein forms S305P, S215P.
Identifiers: ClinVar variation 1509067 (VCV001509067.8), dbSNP rs2124020632, ClinGen allele CA414520359.

ClinVar aggregate classification (germline): Likely pathogenic. Review status: criteria provided, multiple submitters, no conflicts (2 of 4 stars). 2 submissions from 2 submitters: Likely pathogenic (2). Last evaluated 2024-06-07.

Conditions:
Mucopolysaccharidosis, MPS-II (MPS2). Also called: Mucopolysaccharidosis with skin involvement; Mucopolysaccharidosis type 2; Attenuated MPS (subtype; formerly known as mild MPS II); Severe MPS II; I2S deficiency; MPS 2. Identifiers: Orphanet 580, Orphanet 79388, MedGen C0026705, MONDO:0010674, OMIM 309900.

Submissions (2):

Laboratory of Diagnosis and Therapy of Lysosomal Disorders, University of Padova
Classification: Likely pathogenic for Mucopolysaccharidosis, MPS-II. Last evaluated: 2024-06-07. Review status: criteria provided, single submitter. Criteria: ACMG Guidelines, 2015. Collection method: literature only. Allele origin: germline. Affected: yes. Observed: 4 variant alleles.
Comment: In vitro or in vivo functional studies supportive of a damaging effect (PS3_Moderate), Absent from controls (or at low frequency) in gnomAD database (PM2_Moderate), Missense variant in a gene with a low rate of benign missense variation (PP2_Supporting), Multiple lines of computational evidence support a deleterious effect (PP3_Supporting), Patient’s phenotype or family history highly specific for the disease (PP4_Moderate)

Classification method: ACMG Guidelines [PMID:25741868] with modifications

Labcorp Genetics (formerly Invitae), Labcorp
Classification: Likely pathogenic for Mucopolysaccharidosis, MPS-II. Last evaluated: 2021-08-09. Review status: criteria provided, single submitter. Criteria: Invitae Variant Classification Sherloc (09022015). Collection method: clinical testing. Allele origin: germline.
Comment: Experimental studies have shown that this missense change affects IDS function (PMID: 17655837). In summary, the currently available evidence indicates that the variant is pathogenic, but additional data are needed to prove that conclusively. Therefore, this variant has been classified as Likely Pathogenic. Advanced modeling of protein sequence and biophysical properties (such as structural, functional, and spatial information, amino acid conservation, physicochemical variation, residue mobility, and thermodynamic stability) performed at Invitae indicates that this missense variant is expected to disrupt IDS protein function. This sequence change replaces serine with proline at codon 305 of the IDS protein (p.Ser305Pro). The serine residue is highly conserved and there is a moderate physicochemical difference between serine and proline. This variant is not present in population databases (ExAC no frequency). This missense change has been observed in individual(s) with clinical features of mucopolysaccharidosis type II (PMID: 17655837, 24125893; Invitae).

Literature cited by the submitters: PubMed 24125893 (cited by Laboratory of Diagnosis and Therapy of Lysosomal Disorders, University of Padova and Labcorp Genetics (formerly Invitae), Labcorp); PubMed 17655837 (cited by Laboratory of Diagnosis and Therapy of Lysosomal Disorders, University of Padova and Labcorp Genetics (formerly Invitae), Labcorp); PubMed 33960103 (cited by Laboratory of Diagnosis and Therapy of Lysosomal Disorders, University of Padova).